The following is an entry in ClinVar:

ClinVar aggregate classification (germline): Likely pathogenic (1 of 4 stars; one submission).

Conditions:
Fanconi anemia (FA). Also called: Fanconi's anemia. Identifiers: Orphanet 84, MedGen C0015625, MeSH D005199, MONDO:0019391.

Submission:

Natera, Inc.
Classification: Likely pathogenic for Fanconi anemia. Last evaluated: 2024-09-09. Review status: criteria provided, single submitter. Criteria: Natera Variant Classification Schema (03/2026). Collection method: clinical testing. Allele origin: germline.
Comment: The c.3184_3197del variant in FANCA is a frameshift variant predicted to shift the reading frame beginning at codon 1062 and leads to a stop codon 49 codons downstream. This variant is expected to result in nonsense mediated decay, truncation, or a dysfunctional protein product. This variant is rare in the general population with a frequency below the threshold expected for the associated phenotype(s). Given the available evidence, this variant is classified as Likely Pathogenic.

NM_000135.4(FANCA):c.3184_3197del (p.Gly1062fs)

Gene: FANCA (FA complementation group A; minus strand). Cytogenetic location: 16q24.3.
Variant type: Deletion.
Coding change: c.3184_3197del on transcript NM_000135.4 (MANE Select); coding-DNA positions 3184 to 3197, 14 bases deleted (GGGTGGAGCGTGGC).
Protein change: p.Gly1062fs; shifts the reading frame from glycine 1062.
Molecular consequence: frameshift variant.
Genome position (GRCh38, 1-based): chr16:89,749,772-89,749,785, GCCACGCTCCACCC deleted on the plus strand (GGGTGGAGCGTGGC on the coding strand, the reverse complement: FANCA is on the minus strand); deleting any 14 consecutive bases within chr16:89,749,772-89,749,787 gives the same sequence; the c. name uses the placement nearest the transcript's 3' end. VCF-style (leftmost placement, unchanged base first): chr16-89749771-AGCCACGCTCCACCC-A. GRCh37 (hg19) VCF-style: chr16-89816179-AGCCACGCTCCACCC-A.
Other names: c.3184_3197del, p.Gly1062fs (NM_001286167.3); short protein forms G1062fs.
Identifiers: ClinVar variation 4817529 (VCV004817529.1).